The following is an entry in ClinVar:

NM_005898.5(CAPRIN1):c.799G>T (p.Ala267Ser)

Gene: CAPRIN1 (cell cycle associated protein 1; plus strand). Cytogenetic location: 11p13.
Variant type: single nucleotide variant.
Coding change: c.799G>T on transcript NM_005898.5 (MANE Select); coding-DNA position 799, G replaced by T.
Protein change: p.Ala267Ser; replaces alanine 267 with serine.
Molecular consequence: missense variant.
Genome position (GRCh38, 1-based): chr11:34,079,738, G>T. VCF-style: chr11-34079738-G-T. GRCh37 (hg19) VCF-style: chr11-34101285-G-T.
Other names: c.799G>T, p.Ala267Ser (NM_203364.3); short protein forms A267S.
Identifiers: ClinVar variation 3603056 (VCV003603056.1).

ClinVar aggregate classification (germline): Uncertain significance (1 of 4 stars; one submission).

Submission:

GeneDx
Classification: Uncertain significance. Last evaluated: 2024-08-08. Review status: criteria provided, single submitter. Criteria: GeneDx Variant Classification Process June 2021. Collection method: clinical testing. Allele origin: germline. Affected: yes.
Comment: Not observed at significant frequency in large population cohorts (gnomAD); In silico analysis indicates that this missense variant does not alter protein structure/function; Has not been previously published as pathogenic or benign to our knowledge